The following is an entry in ClinVar:

NM_001136035.4(TRMT1):c.832G>A (p.Gly278Arg)

Gene: TRMT1 (tRNA methyltransferase 1; minus strand). Cytogenetic location: 19p13.13.
Variant type: single nucleotide variant.
Coding change: c.832G>A on transcript NM_001136035.4 (MANE Select); coding-DNA position 832, G replaced by A.
Protein change: p.Gly278Arg; replaces glycine 278 with arginine.
Molecular consequence: missense variant.
Genome position (GRCh38, 1-based): chr19:13,112,743, C>T on the plus strand (G>A on the coding strand, the complement: TRMT1 is on the minus strand). VCF-style: chr19-13112743-C-T. GRCh37 (hg19) VCF-style: chr19-13223557-C-T.
Other names: c.832G>A, p.Gly278Arg (NM_001142554.3, NM_001351760.2, NM_017722.5); c.724G>A, p.Gly242Arg (NM_001351761.2); c.49G>A, p.Gly17Arg (NM_001351762.2); short protein forms G242R, G17R, G278R.
Identifiers: ClinVar variation 5008521 (VCV005008521.1).

ClinVar aggregate classification (germline): Uncertain significance (1 of 4 stars; one submission).

gnomAD v4.1: 15 of 1,613,498 alleles (0.00093%); highest among the groups gnomAD compares: South Asian, 0.0055%; no homozygotes.

Submission:

GeneDx
Classification: Uncertain significance. Last evaluated: 2026-02-18. Review status: criteria provided, single submitter. Criteria: GeneDx Variant Classification Process June 2021. Collection method: clinical testing. Allele origin: germline.
Comment: Not observed at significant frequency in large population cohorts (gnomAD); In silico analysis supports that this missense variant has a deleterious effect on protein structure/function; Has not been previously published as pathogenic or benign to our knowledge